The following is an entry in ClinVar:

ClinVar aggregate classification (germline): Uncertain significance (1 of 4 stars; one submission).

Conditions:
Niemann-Pick disease, type C1. Also called: NIEMANN-PICK DISEASE, VARIANT TYPE C1; NEUROVISCERAL STORAGE DISEASE WITH VERTICAL SUPRANUCLEAR OPHTHALMOPLEGIA; NIEMANN-PICK DISEASE WITH CHOLESTEROL ESTERIFICATION BLOCK; NIEMANN-PICK DISEASE WITHOUT SPHINGOMYELINASE DEFICIENCY; NIEMANN-PICK DISEASE, CHRONIC NEURONOPATHIC FORM. Identifiers: Orphanet 646, MedGen C3179455, MONDO:0009757, OMIM 257220.

Allele frequency attached by ClinVar (database versions not stated): gnomAD exomes 0.00001.
gnomAD v4.1: 7 of 1,608,286 alleles (0.00044%); highest among the groups gnomAD compares: Non-Finnish European, 0.0006%; no homozygotes.

Submission:

Labcorp Genetics (formerly Invitae), Labcorp
Classification: Uncertain significance for Niemann-Pick disease, type C1. Last evaluated: 2022-08-09. Review status: criteria provided, single submitter. Criteria: Invitae Variant Classification Sherloc (09022015). Collection method: clinical testing. Allele origin: germline.
Comment: This sequence change replaces serine, which is neutral and polar, with phenylalanine, which is neutral and non-polar, at codon 741 of the NPC1 protein (p.Ser741Phe). This variant is not present in population databases (gnomAD no frequency). This variant has not been reported in the literature in individuals affected with NPC1-related conditions. Advanced modeling of protein sequence and biophysical properties (such as structural, functional, and spatial information, amino acid conservation, physicochemical variation, residue mobility, and thermodynamic stability) performed at Invitae indicates that this missense variant is expected to disrupt NPC1 protein function. In summary, the available evidence is currently insufficient to determine the role of this variant in disease. Therefore, it has been classified as a Variant of Uncertain Significance.

NM_000271.5(NPC1):c.2222C>T (p.Ser741Phe)

Gene: NPC1 (NPC intracellular cholesterol transporter 1; minus strand). Cytogenetic location: 18q11.2.
Variant type: single nucleotide variant.
Coding change: c.2222C>T on transcript NM_000271.5 (MANE Select); coding-DNA position 2222, C replaced by T.
Protein change: p.Ser741Phe; replaces serine 741 with phenylalanine.
Molecular consequence: missense variant.
Genome position (GRCh38, 1-based): chr18:23,543,478, G>A on the plus strand (C>T on the coding strand, the complement: NPC1 is on the minus strand). VCF-style: chr18-23543478-G-A. GRCh37 (hg19) VCF-style: chr18-21123442-G-A.
Other names: short protein forms S741F.
Identifiers: ClinVar variation 1715969 (VCV001715969.5), dbSNP rs2511229658, ClinGen allele CA401770744.
Genomic context (GRCh38, chr18:23,543,478, plus strand): 5'-CAGACTACAGGACTGGTAGGATTGAAAGCATAATTACCTAAGAAAAATGCTACAGTCTCA[G>A]AAAAGGATGACAGGAACATACTGGGAGCCACTTCTCCTAGGACCCTGCCCAGCTGCTGAT-3'
Protein context (NP_000262.2, residues 731-751): VAPSMFLSSF[Ser741Phe]ETVAFFLGAL